The following is an entry in ClinVar:

NM_001029883.3(PCARE):c.1945G>A (p.Val649Met)

Gene: PCARE (photoreceptor cilium actin regulator; minus strand). Cytogenetic location: 2p23.2.
Variant type: single nucleotide variant.
Coding change: c.1945G>A on transcript NM_001029883.3 (MANE Select); coding-DNA position 1945, G replaced by A.
Protein change: p.Val649Met; replaces valine 649 with methionine.
Molecular consequence: missense variant.
Genome position (GRCh38, 1-based): chr2:29,072,317, C>T on the plus strand (G>A on the coding strand, the complement: PCARE is on the minus strand). VCF-style: chr2-29072317-C-T. GRCh37 (hg19) VCF-style: chr2-29295183-C-T.
Other names: short protein forms V649M.
Identifiers: ClinVar variation 962971 (VCV000962971.8), dbSNP rs376195796, ClinGen allele CA1592318.
Genomic context (GRCh38, chr2:29,072,317, plus strand): 5'-ATGCCTTGAGCCTGCTGGTGGTGTTGCTTGGACTGACCCTGCAGGTGCCATTGGGCCACA[C>T]GGCGGCTGCTCTGGGCTGCAGAATTTGCTCCTGGCTCTGCCCCTGCCCTTTGGCACCCAG-3'
Protein context (NP_001025054.1, residues 639-659): EQILQPRAAA[Val649Met]WPNGTCRVSP

ClinVar aggregate classification (germline): Conflicting classifications of pathogenicity. Review status: criteria provided, conflicting classifications (1 of 4 stars). 2 submissions from 2 submitters: Uncertain significance (1); Likely benign (1). Last evaluated 2022-08-15.

Allele frequency attached by ClinVar (database versions not stated): ESP Exome Variant Server 0.00016; TOPMed 0.00021.
gnomAD v4.1: 52 of 1,614,036 alleles (0.0032%); highest among the groups gnomAD compares: African/African-American, 0.047%; no homozygotes.

Submissions (2):

Labcorp Genetics (formerly Invitae), Labcorp
Classification: Uncertain significance. Last evaluated: 2022-08-15. Review status: criteria provided, single submitter. Criteria: Invitae Variant Classification Sherloc (09022015). Collection method: clinical testing. Allele origin: germline.
Comment: This sequence change replaces valine, which is neutral and non-polar, with methionine, which is neutral and non-polar, at codon 649 of the PCARE protein (p.Val649Met). This variant is present in population databases (rs376195796, gnomAD 0.08%). This variant has not been reported in the literature in individuals affected with PCARE-related conditions. ClinVar contains an entry for this variant (Variation ID: 962971). Algorithms developed to predict the effect of missense changes on protein structure and function (SIFT, PolyPhen-2, Align-GVGD) all suggest that this variant is likely to be tolerated. In summary, the available evidence is currently insufficient to determine the role of this variant in disease. Therefore, it has been classified as a Variant of Uncertain Significance.

Blueprint Genetics
Classification: Likely benign. Last evaluated: 2022-02-24. Review status: criteria provided, single submitter. Criteria: ACMG Guidelines, 2015. Collection method: clinical testing. Allele origin: germline.